The following is an entry in ClinVar:

ClinVar aggregate classification (germline): Likely pathogenic (1 of 4 stars; one submission).

Submission:

Labcorp Genetics (formerly Invitae), Labcorp
Classification: Likely pathogenic. Last evaluated: 2024-01-13. Review status: criteria provided, single submitter. Criteria: Invitae Variant Classification Sherloc (09022015). Collection method: clinical testing. Allele origin: germline.
Comment: This variant is a gross deletion of the genomic region encompassing exon(s) 8-11 of the GALNT3 gene, which includes the termination codon. This deletion extends beyond the assayed region for this gene and therefore may encompass additional genes. While this deletion is not anticipated to lead to nonsense mediated decay, it is expected to alter mRNA translation or result in a truncated protein product. This variant has not been reported in the literature in individuals affected with GALNT3-related conditions. This variant disrupts the C-terminus of the GALNT3 protein. Other variant(s) that disrupt this region (p.Gln592*) have been observed in individuals with GALNT3-related conditions (PMID: 16528452, 20358599). This suggests that this may be a clinically significant region of the protein. In summary, the currently available evidence indicates that the variant is pathogenic, but additional data are needed to prove that conclusively. Therefore, this variant has been classified as Likely Pathogenic.

Literature cited by the submitters: PubMed 16528452; PubMed 20358599.

NC_000002.11:g.(?_166605291)_(166611593_?)del

Gene: GALNT3 (polypeptide N-acetylgalactosaminyltransferase 3; minus strand). Cytogenetic location: 2q24.3.
Variant type: Deletion.
Identifiers: ClinVar variation 2425126 (VCV002425126.4).